The following is an entry in ClinVar:

ClinVar aggregate classification (germline): Likely benign (0 of 4 stars; one submission).

Conditions:
TCF20-related disorder. Also called: TCF20-related condition.

Allele frequency attached by ClinVar (database versions not stated): gnomAD exomes below 0.00001; ExAC 0.00001.
gnomAD v4.1: 4 of 1,614,104 alleles (0.00025%); highest among the groups gnomAD compares: Non-Finnish European, 0.00034%; no homozygotes.

Submission:

PreventionGenetics, part of Exact Sciences
Classification: Likely benign for TCF20-related condition. Last evaluated: 2021-09-20. Review status: no assertion criteria provided. Collection method: clinical testing. Allele origin: germline.
Comment: This variant is classified as likely benign based on ACMG/AMP sequence variant interpretation guidelines (Richards et al. 2015 PMID: 25741868, with internal and published modifications).

NM_001378418.1(TCF20):c.2217T>C (p.His739=)

Gene: TCF20 (transcription factor 20; minus strand). Cytogenetic location: 22q13.2.
Variant type: single nucleotide variant.
Coding change: c.2217T>C on transcript NM_001378418.1 (MANE Select); coding-DNA position 2217, T replaced by C.
Protein change: p.His739=; no amino-acid change (histidine 739 retained).
Molecular consequence: synonymous variant.
Genome position (GRCh38, 1-based): chr22:42,213,089, A>G on the plus strand (T>C on the coding strand, the complement: TCF20 is on the minus strand). VCF-style: chr22-42213089-A-G. GRCh37 (hg19) VCF-style: chr22-42609095-A-G.
Other names: c.2217T>C, p.His739= (NM_005650.4, NM_181492.3).
Identifiers: ClinVar variation 3056897 (VCV003056897.2), dbSNP rs767367766, ClinGen allele CA10267044.